The following is an entry in ClinVar:

ClinVar aggregate classification (germline): Likely benign. Review status: criteria provided, multiple submitters, no conflicts (2 of 4 stars). 2 submissions from 2 submitters: Likely benign (2). Last evaluated 2022-11-15.

Allele frequency attached by ClinVar (database versions not stated): gnomAD 0.00001; TOPMed 0.00001.
gnomAD v4.1: 11 of 1,613,352 alleles (0.00068%); highest among the groups gnomAD compares: Non-Finnish European, 0.00093%; no homozygotes.

Submissions (2):

Labcorp Genetics (formerly Invitae), Labcorp
Classification: Likely benign. Last evaluated: 2022-11-15. Review status: criteria provided, single submitter. Criteria: Invitae Variant Classification Sherloc (09022015). Collection method: clinical testing. Allele origin: germline.

GeneDx
Classification: Likely benign. Last evaluated: 2018-05-11. Review status: criteria provided, single submitter. Criteria: GeneDx Variant Classification (06012015). Collection method: clinical testing. Allele origin: germline. Affected: yes.
Comment: This variant is considered likely benign or benign based on one or more of the following criteria: it is a conservative change, it occurs at a poorly conserved position in the protein, it is predicted to be benign by multiple in silico algorithms, and/or has population frequency not consistent with disease.

NM_004526.4(MCM2):c.2088G>A (p.Leu696=)

Gene: MCM2 (minichromosome maintenance complex component 2; plus strand). Cytogenetic location: 3q21.3.
Variant type: single nucleotide variant.
Coding change: c.2088G>A on transcript NM_004526.4 (MANE Select); coding-DNA position 2088, G replaced by A.
Protein change: p.Leu696=; no amino-acid change (leucine 696 retained).
Molecular consequence: synonymous variant. On other transcripts: non-coding transcript variant (1).
Genome position (GRCh38, 1-based): chr3:127,619,101, G>A. VCF-style: chr3-127619101-G-A. GRCh37 (hg19) VCF-style: chr3-127337944-G-A.
Identifiers: ClinVar variation 682511 (VCV000682511.8), dbSNP rs1328571595, ClinGen allele CA435761517.